The following is an entry in ClinVar:

NM_004667.6(HERC2):c.3705A>G (p.Ile1235Met)

Gene: HERC2 (HECT and RLD domain containing E3 ubiquitin protein ligase 2; minus strand). Cytogenetic location: 15q13.1.
Variant type: single nucleotide variant.
Coding change: c.3705A>G on transcript NM_004667.6 (MANE Select); coding-DNA position 3705, A replaced by G.
Protein change: p.Ile1235Met; replaces isoleucine 1235 with methionine.
Molecular consequence: missense variant.
Genome position (GRCh38, 1-based): chr15:28,238,645, T>C on the plus strand (A>G on the coding strand, the complement: HERC2 is on the minus strand). VCF-style: chr15-28238645-T-C. GRCh37 (hg19) VCF-style: chr15-28483791-T-C.
Other names: c.3705A>G (NM_004667.4); short protein forms I1235M.
Identifiers: ClinVar variation 2432422 (VCV002432422.7), dbSNP rs142553001, ClinGen allele CA7442842.

ClinVar aggregate classification (germline): Uncertain significance. Review status: criteria provided, multiple submitters, no conflicts (2 of 4 stars). 3 submissions from 3 submitters: Uncertain significance (3). Last evaluated 2025-04-28.

Conditions:
Inborn genetic diseases. Identifiers: MedGen C0950123, MeSH D030342.

Allele frequency attached by ClinVar (database versions not stated): 1000 Genomes Project 30x 0.00016; ExAC 0.00017; TOPMed 0.00017; 1000 Genomes Project 0.00020; ESP Exome Variant Server 0.00023; gnomAD 0.00023; gnomAD exomes 0.00030.
gnomAD v4.1: 469 of 1,611,724 alleles (0.029%); highest among the groups gnomAD compares: Non-Finnish European, 0.038%; no homozygotes.

Submissions (3):

Ambry Genetics
Classification: Uncertain significance for Inborn genetic diseases. Last evaluated: 2025-04-28. Review status: criteria provided, single submitter. Criteria: Ambry Variant Classification Scheme 2023. Collection method: clinical testing. Allele origin: germline.

GeneDx
Classification: Uncertain significance. Last evaluated: 2024-04-22. Review status: criteria provided, single submitter. Criteria: GeneDx Variant Classification Process June 2021. Collection method: clinical testing. Allele origin: germline. Affected: yes.
Comment: In silico analysis supports that this missense variant does not alter protein structure/function; Has not been previously published as pathogenic or benign to our knowledge

Revvity Omics, Revvity
Classification: Uncertain significance. Last evaluated: 2019-01-03. Review status: criteria provided, single submitter. Criteria: ACMG Guidelines, 2015. Collection method: clinical testing. Allele origin: germline.